The following is an entry in ClinVar:

NM_006371.5(CRTAP):c.751A>G (p.Arg251Gly)

Gene: CRTAP (cartilage associated protein; plus strand). Cytogenetic location: 3p22.3.
Variant type: single nucleotide variant.
Coding change: c.751A>G on transcript NM_006371.5 (MANE Select); coding-DNA position 751, A replaced by G.
Protein change: p.Arg251Gly; replaces arginine 251 with glycine.
Molecular consequence: missense variant.
Genome position (GRCh38, 1-based): chr3:33,124,537, A>G. VCF-style: chr3-33124537-A-G. GRCh37 (hg19) VCF-style: chr3-33166029-A-G.
Other names: c.751A>G, p.Arg251Gly (NM_001393363.1, NM_001393364.1); c.601A>G, p.Arg201Gly (NM_001393365.1); short protein forms R251G, R201G.
Identifiers: ClinVar variation 534206 (VCV000534206.4), dbSNP rs1351893746, ClinGen allele CA352009543.

ClinVar aggregate classification (germline): Uncertain significance (1 of 4 stars; one submission).

Conditions:
Osteogenesis imperfecta type 7 (OI7). Also called: OSTEOGENESIS IMPERFECTA, TYPE IIB; Osteogenesis imperfecta type 2B; OI type 2B; Osteogenesis imperfecta, perinatal lethal autosomal recessive; OI type IIB; OI type 7. Identifiers: MedGen C1853162, MONDO:0012536, OMIM 610682.

Allele frequency attached by ClinVar (database versions not stated): gnomAD exomes below 0.00001; gnomAD 0.00001; TOPMed 0.00001.
gnomAD v4.1: 3 of 1,614,090 alleles (0.00019%); highest among the groups gnomAD compares: Non-Finnish European, 0.00025%; no homozygotes.

Submission:

Labcorp Genetics (formerly Invitae), Labcorp
Classification: Uncertain significance for Osteogenesis imperfecta type 7. Last evaluated: 2022-04-23. Review status: criteria provided, single submitter. Criteria: Invitae Variant Classification Sherloc (09022015). Collection method: clinical testing. Allele origin: germline.
Comment: In summary, the available evidence is currently insufficient to determine the role of this variant in disease. Therefore, it has been classified as a Variant of Uncertain Significance. Algorithms developed to predict the effect of missense changes on protein structure and function (SIFT, PolyPhen-2, Align-GVGD) all suggest that this variant is likely to be tolerated. ClinVar contains an entry for this variant (Variation ID: 534206). This variant has not been reported in the literature in individuals affected with CRTAP-related conditions. This variant is not present in population databases (gnomAD no frequency). This sequence change replaces arginine, which is basic and polar, with glycine, which is neutral and non-polar, at codon 251 of the CRTAP protein (p.Arg251Gly).